The following is an entry in ClinVar:

NM_001378452.1(ITPR1):c.731A>C (p.His244Pro)

Gene: ITPR1 (inositol 1,4,5-trisphosphate receptor type 1; plus strand). Cytogenetic location: 3p26.1.
Variant type: single nucleotide variant.
Coding change: c.731A>C on transcript NM_001378452.1 (MANE Select); coding-DNA position 731, A replaced by C.
Protein change: p.His244Pro; replaces histidine 244 with proline.
Molecular consequence: missense variant.
Genome position (GRCh38, 1-based): chr3:4,645,604, A>C. VCF-style: chr3-4645604-A-C. GRCh37 (hg19) VCF-style: chr3-4687288-A-C.
Other names: c.731A>C, p.His244Pro (NM_001099952.4, NM_001168272.2, NM_002222.7); short protein forms H244P.
Identifiers: ClinVar variation 522002 (VCV000522002.4), dbSNP rs1085308010, ClinGen allele CA351636414.

ClinVar aggregate classification (germline): Likely pathogenic (1 of 4 stars; one submission).

Conditions:
Inborn genetic diseases. Identifiers: MedGen C0950123, MeSH D030342.

Submission:

Ambry Genetics
Classification: Likely pathogenic for Inborn genetic diseases. Last evaluated: 2024-01-23. Review status: criteria provided, single submitter. Criteria: Ambry Variant Classification Scheme 2023. Collection method: clinical testing. Allele origin: germline.
Comment: The c.731A>C (p.H244P) alteration is located in exon 10 (coding exon 8) of the ITPR1 gene. This alteration results from an A to C substitution at nucleotide position 731, causing the histidine (H) at amino acid position 244 to be replaced by a proline (P)._x000D_ _x000D_ for ITPR1-related congenital non-progressive spinocerebellar ataxia (SCA29); however, its clinical significance for Gillespie syndrome is uncertain and it is unlikely to be causative of ITPR1-related spinocerebellar ataxia (SCA15). This variant was not reported in population-based cohorts in the Genome Aggregation Database (gnomAD). This amino acid position is highly conserved in available vertebrate species. This alteration is predicted to be deleterious by in silico analysis. Based on the available evidence, this alteration is classified as likely pathogenic.